The following is an entry in ClinVar:

ClinVar aggregate classification (germline): Likely benign (1 of 4 stars; one submission).

Allele frequency attached by ClinVar (database versions not stated): gnomAD exomes below 0.00001; ExAC 0.00001; gnomAD 0.00001; TOPMed 0.00004; ESP Exome Variant Server 0.00008.

Submission:

CeGaT Center for Human Genetics Tuebingen
Classification: Likely benign. Last evaluated: 2022-03-01. Review status: criteria provided, single submitter. Criteria: CeGaT Center For Human Genetics Tuebingen Variant Classification Criteria Version 2. Collection method: clinical testing. Allele origin: germline. Affected: yes. Observed: 1 variant allele.
Comment: PDLIM4: BP4

NM_003687.4(PDLIM4):c.245+4T>C

Gene: PDLIM4 (PDZ and LIM domain 4; plus strand). Cytogenetic location: 5q31.1.
Variant type: single nucleotide variant.
Coding change: c.245+4T>C on transcript NM_003687.4 (MANE Select); 4 bases into the intron after coding-DNA position 245, T replaced by C.
Molecular consequence: intron variant.
Genome position (GRCh38, 1-based): chr5:132,262,764, T>C. VCF-style: chr5-132262764-T-C. GRCh37 (hg19) VCF-style: chr5-131598457-T-C.
Other names: c.245+4T>C (NM_001131027.2).
Identifiers: ClinVar variation 2655694 (VCV002655694.24), dbSNP rs374632066, ClinGen allele CA3402927.